The following is an entry in ClinVar:

NM_001244008.2(KIF1A):c.4669T>C (p.Leu1557=)

Gene: KIF1A (kinesin family member 1A; minus strand). Cytogenetic location: 2q37.3.
Variant type: single nucleotide variant.
Coding change: c.4669T>C on transcript NM_001244008.2 (MANE Select); coding-DNA position 4669, T replaced by C.
Protein change: p.Leu1557=; no amino-acid change (leucine 1557 retained).
Molecular consequence: synonymous variant.
Genome position (GRCh38, 1-based): chr2:240,721,881, A>G on the plus strand (T>C on the coding strand, the complement: KIF1A is on the minus strand). VCF-style: chr2-240721881-A-G. GRCh37 (hg19) VCF-style: chr2-241661298-A-G.
Other names: c.4393T>C, p.Leu1465= (NM_001320705.2, NM_001379649.1); c.4420T>C, p.Leu1474= (NM_001330289.2); c.4468T>C, p.Leu1490= (NM_001330290.2, NM_001379648.1); c.4744T>C, p.Leu1582= (NM_001379631.1); c.4645T>C, p.Leu1549= (NM_001379632.1); c.4642T>C, p.Leu1548= (NM_001379633.1, NM_001379645.1); c.4495T>C, p.Leu1499= (NM_001379634.1); c.4492T>C, p.Leu1498= (NM_001379635.1, NM_001379646.1); and 7 more.
Identifiers: ClinVar variation 756944 (VCV000756944.31), dbSNP rs774851890, ClinGen allele CA2207349.

ClinVar aggregate classification (germline): Likely benign. Review status: criteria provided, multiple submitters, no conflicts (2 of 4 stars). 2 submissions from 2 submitters: Likely benign (2). Last evaluated 2023-10-03.

Conditions:
Neuropathy, hereditary sensory, type 2C. Also called: KIF1A-Related HSAN2 (HSAN2C); Hereditary sensory and autonomic neuropathy type IIC. Identifiers: Orphanet 970, MedGen C3280168, MONDO:0013634, OMIM 614213.
Intellectual disability, autosomal dominant 9 (NESCAVS). Also called: NESCAV SYNDROME; KIF1A-Related Neurodevelopmental Disorder. Identifiers: Orphanet 662367, MedGen C5393830, MONDO:0013656, OMIM 614255.
Hereditary spastic paraplegia 30. Identifiers: Orphanet 101010, MedGen C5235139, MONDO:0012476.

Allele frequency attached by ClinVar (database versions not stated): gnomAD exomes below 0.00001 and 0.00001; TOPMed 0.00001; ExAC 0.00002; gnomAD 0.00003.
gnomAD v4.1: 8 of 1,604,494 alleles (0.0005%); highest among the groups gnomAD compares: African/African-American, 0.004%; no homozygotes.

Submissions (2):

Labcorp Genetics (formerly Invitae), Labcorp
Classification: Likely benign for Hereditary spastic paraplegia 30; Neuropathy, hereditary sensory, type 2C; Intellectual disability, autosomal dominant 9. Last evaluated: 2023-10-03. Review status: criteria provided, single submitter. Criteria: Invitae Variant Classification Sherloc (09022015). Collection method: clinical testing. Allele origin: germline.

CeGaT Center for Human Genetics Tuebingen
Classification: Likely benign. Last evaluated: 2023-07-01. Review status: criteria provided, single submitter. Criteria: CeGaT Center For Human Genetics Tuebingen Variant Classification Criteria Version 2. Collection method: clinical testing. Allele origin: germline. Affected: yes. Observed: 1 variant allele.
Comment: KIF1A: BP4, BP7